The following is an entry in ClinVar:

ClinVar aggregate classification (germline): Uncertain significance. Review status: criteria provided, multiple submitters, no conflicts (2 of 4 stars). 2 submissions from 2 submitters: Uncertain significance (2). Last evaluated 2024-03-05.

Conditions:
Chédiak-Higashi syndrome (CHS). Also called: Chediak-Higashi Syndrome. Identifiers: Orphanet 167, MedGen C0007965, MONDO:0008963, OMIM 214500.

Allele frequency attached by ClinVar (database versions not stated): TOPMed below 0.00001; gnomAD 0.00001.
gnomAD v4.1: 1 of 1,613,948 alleles (0.000062%); highest among the groups gnomAD compares: Admixed American, 0.0017%; no homozygotes.

Submissions (2):

Mayo Clinic Laboratories, Mayo Clinic
Classification: Uncertain significance. Last evaluated: 2024-03-05. Review status: criteria provided, single submitter. Criteria: ACMG Guidelines, 2015. Collection method: clinical testing. Allele origin: germline. Observed: 1 variant allele.
Comment: PP2, PM2

Labcorp Genetics (formerly Invitae), Labcorp
Classification: Uncertain significance for Chédiak-Higashi syndrome. Last evaluated: 2022-06-13. Review status: criteria provided, single submitter. Criteria: Invitae Variant Classification Sherloc (09022015). Collection method: clinical testing. Allele origin: germline.
Comment: This variant has not been reported in the literature in individuals affected with LYST-related conditions. This variant is not present in population databases (gnomAD no frequency). This sequence change replaces leucine, which is neutral and non-polar, with valine, which is neutral and non-polar, at codon 42 of the LYST protein (p.Leu42Val). Algorithms developed to predict the effect of missense changes on protein structure and function are either unavailable or do not agree on the potential impact of this missense change (SIFT: "Deleterious"; PolyPhen-2: "Probably Damaging"; Align-GVGD: "Class C0"). In summary, the available evidence is currently insufficient to determine the role of this variant in disease. Therefore, it has been classified as a Variant of Uncertain Significance.

NM_000081.4(LYST):c.124C>G (p.Leu42Val)

Gene: LYST (lysosomal trafficking regulator; minus strand). Cytogenetic location: 1q42.3.
Variant type: single nucleotide variant.
Coding change: c.124C>G on transcript NM_000081.4 (MANE Select); coding-DNA position 124, C replaced by G.
Protein change: p.Leu42Val; replaces leucine 42 with valine.
Molecular consequence: missense variant. On other transcripts: non-coding transcript variant (1).
Genome position (GRCh38, 1-based): chr1:235,830,294, G>C on the plus strand (C>G on the coding strand, the complement: LYST is on the minus strand). VCF-style: chr1-235830294-G-C. GRCh37 (hg19) VCF-style: chr1-235993594-G-C.
Other names: p.Leu42Val; c.124C>G, p.Leu42Val (NM_001301365.1); short protein forms L42V.
Identifiers: ClinVar variation 1389123 (VCV001389123.6), dbSNP rs1229357698, ClinGen allele CA344968887.